The following is an entry in ClinVar:

NM_002830.4(PTPN4):c.2465G>A (p.Gly822Glu)

Gene: PTPN4 (protein tyrosine phosphatase non-receptor type 4; plus strand). Cytogenetic location: 2q14.2.
Variant type: single nucleotide variant.
Coding change: c.2465G>A on transcript NM_002830.4 (MANE Select); coding-DNA position 2465, G replaced by A.
Protein change: p.Gly822Glu; replaces glycine 822 with glutamic acid.
Molecular consequence: missense variant.
Genome position (GRCh38, 1-based): chr2:119,965,552, G>A. VCF-style: chr2-119965552-G-A. GRCh37 (hg19) VCF-style: chr2-120723128-G-A.
Other names: short protein forms G822E.
Identifiers: ClinVar variation 1308817 (VCV001308817.2), dbSNP rs2105061652, ClinGen allele CA348150475.

ClinVar aggregate classification (germline): Uncertain significance (1 of 4 stars; one submission).

Submission:

GeneDx
Classification: Uncertain significance. Last evaluated: 2019-09-27. Review status: criteria provided, single submitter. Criteria: GeneDx Variant Classification Process June 2021. Collection method: clinical testing. Allele origin: germline. Affected: yes.
Comment: Has not been previously published as pathogenic or benign to our knowledge; Not observed in large population cohorts (Lek et al., 2016); In silico analysis, which includes protein predictors and evolutionary conservation, supports a deleterious effect; Variants in candidate genes are classified as variants of uncertain significance in accordance with ACMG guidelines (Richards et al., 2015)